The following is an entry in ClinVar:

ClinVar aggregate classification (germline): Uncertain significance (1 of 4 stars; one submission).

gnomAD v4.1: 15 of 1,613,760 alleles (0.00093%); highest among the groups gnomAD compares: Admixed American, 0.0033%; no homozygotes.

Submission:

Labcorp Genetics (formerly Invitae), Labcorp
Classification: Uncertain significance. Last evaluated: 2024-03-19. Review status: criteria provided, single submitter. Criteria: Invitae Variant Classification Sherloc (09022015). Collection method: clinical testing. Allele origin: germline.
Comment: This sequence change replaces glutamic acid, which is acidic and polar, with lysine, which is basic and polar, at codon 411 of the LZTS1 protein (p.Glu411Lys). This variant is present in population databases (rs765012893, gnomAD 0.002%). This missense change has been observed in individual(s) with autism (PMID: 35982159, 35982160). Advanced modeling of protein sequence and biophysical properties (such as structural, functional, and spatial information, amino acid conservation, physicochemical variation, residue mobility, and thermodynamic stability) performed at Invitae indicates that this missense variant is expected to disrupt LZTS1 protein function with a positive predictive value of 80%. In summary, the available evidence is currently insufficient to determine the role of this variant in disease. Therefore, it has been classified as a Variant of Uncertain Significance.

Literature cited by the submitters: PubMed 35982159; PubMed 35982160.

NM_021020.5(LZTS1):c.1231G>A (p.Glu411Lys)

Gene: LZTS1 (leucine zipper tumor suppressor 1; minus strand). Cytogenetic location: 8p21.3.
Variant type: single nucleotide variant.
Coding change: c.1231G>A on transcript NM_021020.5 (MANE Select); coding-DNA position 1231, G replaced by A.
Protein change: p.Glu411Lys; replaces glutamic acid 411 with lysine.
Molecular consequence: missense variant.
Genome position (GRCh38, 1-based): chr8:20,250,282, C>T on the plus strand (G>A on the coding strand, the complement: LZTS1 is on the minus strand). VCF-style: chr8-20250282-C-T. GRCh37 (hg19) VCF-style: chr8-20107793-C-T.
Other names: c.1231G>A, p.Glu411Lys (NM_001362884.2); short protein forms E411K.
Identifiers: ClinVar variation 3616522 (VCV003616522.2).